The following is an entry in ClinVar:

NM_032830.3(UTP4):c.1139A>G (p.Asp380Gly)

Gene: UTP4 (UTP4 small subunit processome component). Cytogenetic location: 16q22.1.
Variant type: single nucleotide variant.
Coding change: c.1139A>G on transcript NM_032830.3 (MANE Select); coding-DNA position 1139, A replaced by G.
Protein change: p.Asp380Gly; replaces aspartic acid 380 with glycine.
Molecular consequence: missense variant.
Genome position (GRCh38, 1-based): chr16:69,154,432, A>G. VCF-style: chr16-69154432-A-G. GRCh37 (hg19) VCF-style: chr16-69188335-A-G.
Other names: c.890A>G, p.Asp297Gly (NM_001318391.2); short protein forms D297G, D380G.
Identifiers: ClinVar variation 4745471 (VCV004745471.1).

ClinVar aggregate classification (germline): Uncertain significance (1 of 4 stars; one submission).

gnomAD v4.1: 1 of 1,613,056 alleles (0.000062%); highest among the groups gnomAD compares: Admixed American, 0.0017%; no homozygotes.

Submission:

Labcorp Genetics (formerly Invitae), Labcorp
Classification: Uncertain significance. Last evaluated: 2026-01-12. Review status: criteria provided, single submitter. Criteria: Invitae Variant Classification Sherloc (09022015). Collection method: clinical testing. Allele origin: germline.
Comment: This sequence change replaces aspartic acid, which is acidic and polar, with glycine, which is neutral and non-polar, at codon 380 of the UTP4 protein (p.Asp380Gly). This variant is not present in population databases (gnomAD no frequency). This variant has not been reported in the literature in individuals affected with UTP4-related conditions. Invitae Evidence Modeling of protein sequence and biophysical properties (such as structural, functional, and spatial information, amino acid conservation, physicochemical variation, residue mobility, and thermodynamic stability) indicates that this missense variant is not expected to disrupt UTP4 protein function with a negative predictive value of 80%. Algorithms developed to predict the effect of sequence changes on RNA splicing suggest that this variant may disrupt the consensus splice site. In summary, the available evidence is currently insufficient to determine the role of this variant in disease. Therefore, it has been classified as a Variant of Uncertain Significance.